The following is an entry in ClinVar:

ClinVar aggregate classification (germline): Uncertain significance (1 of 4 stars; one submission).

gnomAD v4.1: 1 of 1,607,974 alleles (0.000062%); highest among the groups gnomAD compares: South Asian, 0.0011%; no homozygotes.

Submission:

GeneDx
Classification: Uncertain significance. Last evaluated: 2024-12-18. Review status: criteria provided, single submitter. Criteria: GeneDx Variant Classification Process June 2021. Collection method: clinical testing. Allele origin: germline. Affected: yes.
Comment: Not observed at significant frequency in large population cohorts (gnomAD); In silico analysis supports that this missense variant has a deleterious effect on protein structure/function; Has not been previously published as pathogenic or benign to our knowledge; This variant is associated with the following publications: (PMID: 16324214, 11756419)

NM_000268.4(NF2):c.814A>C (p.Thr272Pro)

Gene: NF2 (NF2, moesin-ezrin-radixin like (MERLIN) tumor suppressor; plus strand). Cytogenetic location: 22q12.2.
Variant type: single nucleotide variant.
Coding change: c.814A>C on transcript NM_000268.4 (MANE Select); coding-DNA position 814, A replaced by C.
Protein change: p.Thr272Pro; replaces threonine 272 with proline.
Molecular consequence: missense variant. On other transcripts: non-coding transcript variant (1), intron variant (1).
Genome position (GRCh38, 1-based): chr22:29,664,993, A>C. VCF-style: chr22-29664993-A-C. GRCh37 (hg19) VCF-style: chr22-30060982-A-C.
Other names: c.700A>C, p.Thr234Pro (NM_001407053.1, NM_001407056.1); c.691A>C, p.Thr231Pro (NM_001407054.1, NM_001407058.1, NM_181829.3); c.688A>C, p.Thr230Pro (NM_001407055.1, NM_181828.3); c.679A>C, p.Thr227Pro (NM_001407057.1, NM_001407059.1); c.814A>C, p.Thr272Pro (NM_001407060.1, NM_001407066.1, NM_016418.5 and 2 more transcripts); c.556A>C, p.Thr186Pro (NM_001407062.1); c.565A>C, p.Thr189Pro (NM_001407063.1, NM_001407064.1, NM_181830.3 and 1 more transcripts); c.280A>C, p.Thr94Pro (NM_001407065.1); and 2 more; short protein forms T186P, T189P, T195P, T227P, T230P, T231P, T234P, T272P.
Identifiers: ClinVar variation 3906823 (VCV003906823.1).